The following is an entry in ClinVar:

NM_181426.2(CCDC39):c.*133A>T

Genes: CCDC39 (coiled-coil domain 39 molecular ruler complex subunit; minus strand), TTC14 (tetratricopeptide repeat domain 14; plus strand). Cytogenetic location: 3q26.33.
Variant type: single nucleotide variant.
Coding change: c.*133A>T on transcript NM_181426.2 (MANE Select); 133 bases downstream of the stop codon, A replaced by T.
Molecular consequence: 3 prime UTR variant. On other transcripts: intron variant (1).
Genome position (GRCh38, 1-based): chr3:180,614,788, T>A on the plus strand (A>T on the coding strand, the complement: CCDC39 is on the minus strand). VCF-style: chr3-180614788-T-A. GRCh37 (hg19) VCF-style: chr3-180332576-T-A.
Other names: c.1775-2592T>A (NM_001288582.2).
Identifiers: ClinVar variation 344258 (VCV000344258.9), dbSNP rs113696248, ClinGen allele CA10615340.
Genomic context (GRCh38, chr3:180,614,788, plus strand): 5'-GCTATTAATTTCTTCAGTATGAAGAAAACAGTAGAGAAAATGAGAACGTTCCTTTTTTTT[T>A]AAAACTATCAGTTTTTACACTTACCACTAAGTTTTTACACTTTCCACTAGATAAAATGTG-3'

ClinVar aggregate classification (germline): Benign. Review status: criteria provided, multiple submitters, no conflicts (2 of 4 stars). 3 submissions from 3 submitters: Benign (3). Last evaluated 2019-03-25.

Conditions:
Primary ciliary dyskinesia 14. Also called: CILIARY DYSKINESIA, PRIMARY, 14, WITH OR WITHOUT SITUS INVERSUS. Identifiers: Orphanet 244, MedGen C3151136, MONDO:0013434, OMIM 613807.

Allele frequency attached by ClinVar (database versions not stated): 1000 Genomes Project 30x 0.06059; gnomAD exomes 0.00518; gnomAD 0.04944 and 0.04605; 1000 Genomes Project 0.05611; TOPMed 0.05382.
gnomAD v4.1: 10,110 of 715,846 alleles (1.4%); highest among the groups gnomAD compares: African/African-American, 16%; 621 homozygotes.

Submissions (3):

GeneDx
Classification: Benign. Last evaluated: 2019-03-25. Review status: criteria provided, single submitter. Criteria: GeneDx Variant Classification Process June 2021. Collection method: clinical testing. Allele origin: germline. Affected: yes.

Illumina Laboratory Services, Illumina
Classification: Benign for Primary ciliary dyskinesia 14. Last evaluated: 2018-01-13. Review status: criteria provided, single submitter. Criteria: ICSL Variant Classification Criteria 13 December 2019. Collection method: clinical testing. Allele origin: germline.
Comment: This variant was observed in the ICSL laboratory as part of a predisposition screen in an ostensibly healthy population. It had not been previously curated by ICSL or reported in the Human Gene Mutation Database (HGMD: prior to June 1st, 2018), and was therefore a candidate for classification through an automated scoring system. Utilizing variant allele frequency, disease prevalence and penetrance estimates, and inheritance mode, an automated score was calculated to assess if this variant is too frequent to cause the disease. Based on the score and internal cut-off values, a variant classified as benign is not then subjected to further curation. The score for this variant resulted in a classification of benign for this disease.

Breakthrough Genomics
Classification: Benign. Review status: criteria provided, single submitter. Criteria: ACMG Guidelines, 2015. Collection method: not provided. Allele origin: germline. Inheritance: Autosomal recessive inheritance. Affected: yes.